The following is an entry in ClinVar:

ClinVar aggregate classification (germline): Uncertain significance (1 of 4 stars; one submission).

Conditions:
Hereditary cancer-predisposing syndrome. Also called: Hereditary neoplastic syndrome; Neoplastic Syndromes, Hereditary; Tumor predisposition; Hereditary Cancer Syndrome. Identifiers: Orphanet 140162, MedGen C0027672, MeSH D009386, MONDO:0015356.

Submission:

Ambry Genetics
Classification: Uncertain significance for Hereditary cancer-predisposing syndrome. Last evaluated: 2025-01-06. Review status: criteria provided, single submitter. Criteria: Ambry Variant Classification Scheme 2023. Collection method: clinical testing. Allele origin: germline.
Comment: The p.A1289T variant (also known as c.3865G>A), located in coding exon 26 of the ALK gene, results from a G to A substitution at nucleotide position 3865. The alanine at codon 1289 is replaced by threonine, an amino acid with similar properties. This amino acid position is conserved. In addition, the in silico prediction for this alteration is inconclusive. Based on the available evidence, the clinical significance of this variant remains unclear.

NM_004304.5(ALK):c.3865G>A (p.Ala1289Thr)

Gene: ALK (ALK receptor tyrosine kinase; minus strand). Cytogenetic location: 2p23.2.
Variant type: single nucleotide variant.
Coding change: c.3865G>A on transcript NM_004304.5 (MANE Select); coding-DNA position 3865, G replaced by A.
Protein change: p.Ala1289Thr; replaces alanine 1289 with threonine.
Molecular consequence: missense variant.
Genome position (GRCh38, 1-based): chr2:29,207,244, C>T on the plus strand (G>A on the coding strand, the complement: ALK is on the minus strand). VCF-style: chr2-29207244-C-T. GRCh37 (hg19) VCF-style: chr2-29430110-C-T.
Other names: c.661G>A, p.Ala221Thr (NM_001353765.2); short protein forms A1289T, A221T.
Identifiers: ClinVar variation 3854424 (VCV003854424.1).